The following is an entry in ClinVar:

ClinVar aggregate classification (germline): Uncertain significance. Review status: criteria provided, multiple submitters, no conflicts (2 of 4 stars). 4 submissions from 4 submitters: Uncertain significance (4). Last evaluated 2025-05-01.

Conditions:
Inborn genetic diseases. Identifiers: MedGen C0950123, MeSH D030342.
Bardet-Biedl syndrome (BBS). Identifiers: Orphanet 110, MedGen C0752166, MONDO:0015229.
BBS2-related disorder. Also called: BBS2-related disorders; BBS2-related condition. Identifiers: MedGen CN239228.

Allele frequency attached by ClinVar (database versions not stated): ESP Exome Variant Server 0.00023.
gnomAD v4.1: 42 of 1,613,980 alleles (0.0026%); highest among the groups gnomAD compares: African/African-American, 0.023%; no homozygotes.

Submissions (4):

PreventionGenetics, part of Exact Sciences
Classification: Uncertain significance for BBS2-related condition. Last evaluated: 2025-05-01. Review status: criteria provided, single submitter. Criteria: ACMG Guidelines, 2015. Collection method: clinical testing. Allele origin: germline.
Comment: The BBS2 c.2051G>A variant is predicted to result in the amino acid substitution p.Arg684His. To our knowledge, this variant has not been reported in the literature. This variant is reported in 0.016% of alleles in individuals of African descent in gnomAD. At this time, the clinical significance of this variant is uncertain due to the absence of conclusive functional and genetic evidence.

Ambry Genetics
Classification: Uncertain significance for Inborn genetic diseases. Last evaluated: 2025-01-18. Review status: criteria provided, single submitter. Criteria: Ambry Variant Classification Scheme 2023. Collection method: clinical testing. Allele origin: germline.

Labcorp Genetics (formerly Invitae), Labcorp
Classification: Uncertain significance for Bardet-Biedl syndrome. Last evaluated: 2022-10-05. Review status: criteria provided, single submitter. Criteria: Invitae Variant Classification Sherloc (09022015). Collection method: clinical testing. Allele origin: germline.
Comment: This sequence change replaces arginine, which is basic and polar, with histidine, which is basic and polar, at codon 684 of the BBS2 protein (p.Arg684His). This variant is present in population databases (rs138913160, gnomAD 0.01%). This variant has not been reported in the literature in individuals affected with BBS2-related conditions. ClinVar contains an entry for this variant (Variation ID: 1380279). Advanced modeling of protein sequence and biophysical properties (such as structural, functional, and spatial information, amino acid conservation, physicochemical variation, residue mobility, and thermodynamic stability) performed at Invitae indicates that this missense variant is not expected to disrupt BBS2 protein function. In summary, the available evidence is currently insufficient to determine the role of this variant in disease. Therefore, it has been classified as a Variant of Uncertain Significance.

Blueprint Genetics
Classification: Uncertain significance. Last evaluated: 2021-12-27. Review status: criteria provided, single submitter. Criteria: ACMG Guidelines, 2015. Collection method: clinical testing. Allele origin: germline.

NM_031885.5(BBS2):c.2051G>A (p.Arg684His)

Gene: BBS2 (Bardet-Biedl syndrome 2; minus strand). Cytogenetic location: 16q13.
Variant type: single nucleotide variant.
Coding change: c.2051G>A on transcript NM_031885.5 (MANE Select); coding-DNA position 2051, G replaced by A.
Protein change: p.Arg684His; replaces arginine 684 with histidine.
Molecular consequence: missense variant. On other transcripts: non-coding transcript variant (5).
Genome position (GRCh38, 1-based): chr16:56,485,598, C>T on the plus strand (G>A on the coding strand, the complement: BBS2 is on the minus strand). VCF-style: chr16-56485598-C-T. GRCh37 (hg19) VCF-style: chr16-56519510-C-T.
Other names: c.2051G>A (NM_031885.3); c.2051G>A, p.Arg684His (NM_001377456.1); short protein forms R684H.
Identifiers: ClinVar variation 1380279 (VCV001380279.6), dbSNP rs138913160, ClinGen allele CA8065552.